The following is an entry in ClinVar:

NM_021813.4(BACH2):c.249A>G (p.Thr83=)

Gene: BACH2 (BACH transcriptional regulator 2; minus strand). Cytogenetic location: 6q15.
Variant type: single nucleotide variant.
Coding change: c.249A>G on transcript NM_021813.4 (MANE Select); coding-DNA position 249, A replaced by G.
Protein change: p.Thr83=; no amino-acid change (threonine 83 retained).
Molecular consequence: synonymous variant.
Genome position (GRCh38, 1-based): chr6:89,951,857, T>C on the plus strand (A>G on the coding strand, the complement: BACH2 is on the minus strand). VCF-style: chr6-89951857-T-C. GRCh37 (hg19) VCF-style: chr6-90661576-T-C.
Other names: p.Thr83=; c.249A>G, p.Thr83= (NM_001170794.2).
Identifiers: ClinVar variation 1166323 (VCV001166323.13), dbSNP rs2236181, ClinGen allele CA3928197.

ClinVar aggregate classification (germline): Benign. Review status: criteria provided, multiple submitters, no conflicts (2 of 4 stars). 4 submissions from 4 submitters: Benign (4). Last evaluated 2026-02-04.

Conditions:
Immunodeficiency 60. Also called: IMMUNODEFICIENCY 60 AND AUTOIMMUNITY; IMMUNODEFICIENCY AND AUTOIMMUNITY, BACH2-RELATED. Identifiers: MedGen C5193072, MONDO:0032723, OMIM 618394.

Allele frequency attached by ClinVar (database versions not stated): ESP Exome Variant Server 0.39198; gnomAD 0.40690 and 0.40259; ExAC 0.41625; TOPMed 0.40979; gnomAD exomes 0.41460 and 0.38501; 1000 Genomes Project 0.49081; 1000 Genomes Project 30x 0.49282.

Submissions (4):

Labcorp Genetics (formerly Invitae), Labcorp
Classification: Benign. Last evaluated: 2026-02-04. Review status: criteria provided, single submitter. Criteria: Invitae Variant Classification Sherloc (09022015). Collection method: clinical testing. Allele origin: germline.

Unidad de Genómica Garrahan, Hospital de Pediatría Garrahan
Classification: Benign. Last evaluated: 2023-11-12. Review status: criteria provided, single submitter. Criteria: ACMG Guidelines, 2015. Collection method: clinical testing. Allele origin: germline. Affected: no. Observed: 64 variant alleles.
Comment: This variant is classified as Benign based on local population frequency. This variant was detected in 67% of patients studied by a panel of primary immunodeficiencies. Number of patients: 64. Only high quality variants are reported.

Mayo Clinic Laboratories, Mayo Clinic
Classification: Benign. Last evaluated: 2022-09-06. Review status: criteria provided, single submitter. Criteria: ACMG Guidelines, 2015. Collection method: clinical testing. Allele origin: germline. Observed: 91 variant alleles.

Genome-Nilou Lab
Classification: Benign for Immunodeficiency 60. Last evaluated: 2021-07-14. Review status: criteria provided, single submitter. Criteria: ACMG Guidelines, 2015. Collection method: clinical testing. Allele origin: germline. Affected: no.